The following is an entry in ClinVar:

ClinVar aggregate classification (germline): Uncertain significance (1 of 4 stars; one submission).

Conditions:
Pancreatic adenocarcinoma. Identifiers: MedGen C0281361, MONDO:0006047, HP:0006725.

Submission:

Labcorp Genetics (formerly Invitae), Labcorp
Classification: Uncertain significance for Pancreatic adenocarcinoma. Last evaluated: 2018-06-27. Review status: criteria provided, single submitter. Criteria: Invitae Variant Classification Sherloc (09022015). Collection method: clinical testing. Allele origin: germline.
Comment: While this variant is not present in population databases, the frequency information is unreliable, as metrics indicate poor data quality at this position in the ExAC database. This variant has not been reported in the literature in individuals with PALLD-related disease. This sequence change replaces serine with asparagine at codon 2 of the PALLD protein (p.Ser2Asn). The serine residue is weakly conserved and there is a small physicochemical difference between serine and asparagine. In summary, the available evidence is currently insufficient to determine the role of this variant in disease. Therefore, it has been classified as a Variant of Uncertain Significance. Algorithms developed to predict the effect of missense changes on protein structure and function output the following: SIFT: "Tolerated"; PolyPhen-2: "Benign"; Align-GVGD: "Class C0". The asparagine amino acid residue is found in multiple mammalian species, suggesting that this missense change does not adversely affect protein function. These predictions have not been confirmed by published functional studies and their clinical significance is uncertain.

NM_001166108.2(PALLD):c.1965-13026G>A

Gene: PALLD (palladin, cytoskeletal associated protein; plus strand). Cytogenetic location: 4q32.3.
Variant type: single nucleotide variant.
Coding change: c.1965-13026G>A on transcript NM_001166108.2 (MANE Select); 13026 bases into the intron before coding-DNA position 1965, G replaced by A.
Molecular consequence: intron variant. On other transcripts: missense variant (1).
Genome position (GRCh38, 1-based): chr4:168,877,896, G>A. VCF-style: chr4-168877896-G-A. GRCh37 (hg19) VCF-style: chr4-169799047-G-A.
Other names: c.5G>A, p.Ser2Asn (NM_001166110.2); c.1965-13026G>A (NM_016081.4); c.819-13026G>A (NM_001166109.2); c.-157-13026G>A (NM_001367570.1, NM_001367568.1, NM_001367567.1 and 1 more transcripts); short protein forms S2N.
Identifiers: ClinVar variation 1004732 (VCV001004732.8), dbSNP rs1751989868, ClinGen allele CA358794618.
Genomic context (GRCh38, chr4:168,877,896, plus strand): 5'-CGCCGCCCGCCTTCCCCGAGCTCGCGGCCTGCACGCCGCCCGCGTCCCCGGAGCCCATGA[G>A]CGCGCTGGCCTCCCGCTCCGCCCCCGCCATGCAGTCCTCCGGCTCCTTCAACTACGCGCG-3'